The following is an entry in ClinVar:

NM_080476.5(PIGU):c.927-8_927-4del

Gene: PIGU (phosphatidylinositol glycan anchor biosynthesis class U; minus strand). Cytogenetic location: 20q11.22.
Variant type: Microsatellite.
Coding change: c.927-8_927-4del on transcript NM_080476.5 (MANE Select); 8 bases into the intron before coding-DNA position 927 through 4 bases into the intron before coding-DNA position 927, 5 bases deleted (TGCCC; older notation c.927-8_927-4delTGCCC).
Molecular consequence: intron variant.
Genome position (GRCh38, 1-based): chr20:34,581,676-34,581,680, GGGCA deleted on the plus strand (TGCCC on the coding strand, the reverse complement: PIGU is on the minus strand); deleting any 5 consecutive bases within chr20:34,581,676-34,581,688 gives the same sequence; the c. name uses the placement nearest the transcript's 3' end. VCF-style (leftmost placement, unchanged base first): chr20-34581675-GGGGCA-G. GRCh37 (hg19) VCF-style: chr20-33169479-GGGGCA-G.
Other names: c.927-8_927-4del5 (NM_080476.4).
Identifiers: ClinVar variation 2063635 (VCV002063635.30), dbSNP rs547805488, ClinGen allele CA9822519.

ClinVar aggregate classification (germline): Benign/Likely benign. Review status: criteria provided, multiple submitters, no conflicts (2 of 4 stars). 4 submissions from 4 submitters: Benign (1); Likely benign (2). 1 of the submissions does not count toward it. Last evaluated 2025-11-03.

Conditions:
PIGU-related disorder. Also called: PIGU-related condition.

Submissions (4):

Labcorp Genetics (formerly Invitae), Labcorp
Classification: Benign. Last evaluated: 2025-11-03. Review status: criteria provided, single submitter. Criteria: Invitae Variant Classification Sherloc (09022015). Collection method: clinical testing. Allele origin: germline.

Blueprint Genetics
Classification: Likely benign. Last evaluated: 2024-11-20. Review status: criteria provided, single submitter. Criteria: ACMG Guidelines, 2015. Collection method: clinical testing. Allele origin: germline.

CeGaT Center for Human Genetics Tuebingen
Classification: Likely benign. Last evaluated: 2022-11-01. Review status: criteria provided, single submitter. Criteria: CeGaT Center For Human Genetics Tuebingen Variant Classification Criteria Version 2. Collection method: clinical testing. Allele origin: germline. Affected: yes. Observed: 1 variant allele.
Comment: PIGU: BP4, BS1

PreventionGenetics, part of Exact Sciences
Classification: Benign for PIGU-related condition. Last evaluated: 2019-12-11. Review status: no assertion criteria provided. Collection method: clinical testing. Allele origin: germline. Not counted in ClinVar's aggregate classification.
Comment: This variant is classified as benign based on ACMG/AMP sequence variant interpretation guidelines (Richards et al. 2015 PMID: 25741868, with internal and published modifications).